The following is an entry in ClinVar:

NC_000019.9:g.(?_39989615)_(39991332_?)del

Gene: DLL3 (delta like canonical Notch ligand 3; plus strand). Cytogenetic location: 19q13.2.
Variant type: Deletion.
Identifiers: ClinVar variation 3242703 (VCV003242703.1).

ClinVar aggregate classification (germline): Pathogenic (1 of 4 stars; one submission).

Submission:

Labcorp Genetics (formerly Invitae), Labcorp
Classification: Pathogenic. Last evaluated: 2023-06-14. Review status: criteria provided, single submitter. Criteria: Invitae Variant Classification Sherloc (09022015). Collection method: clinical testing. Allele origin: unknown.
Comment: This variant is a gross deletion of the genomic region encompassing exon(s) 1-3 of the DLL3 gene, which includes the initiator codon. This deletion extends beyond the assayed region for this gene and therefore may encompass additional genes. It is expected to result in an absent or disrupted protein product. Loss-of-function variants in DLL3 are known to be pathogenic (PMID: 12746394). For these reasons, this variant has been classified as Pathogenic. This variant has not been reported in the literature in individuals affected with DLL3-related conditions.

Literature cited by the submitters: PubMed 12746394.